The following is an entry in ClinVar:

NM_005530.3(IDH3A):c.211A>G (p.Ile71Val)

Gene: IDH3A (isocitrate dehydrogenase (NAD(+)) 3 catalytic subunit alpha; plus strand). Cytogenetic location: 15q25.1.
Variant type: single nucleotide variant.
Coding change: c.211A>G on transcript NM_005530.3 (MANE Select); coding-DNA position 211, A replaced by G.
Protein change: p.Ile71Val; replaces isoleucine 71 with valine.
Molecular consequence: missense variant.
Genome position (GRCh38, 1-based): chr15:78,160,128, A>G. VCF-style: chr15-78160128-A-G. GRCh37 (hg19) VCF-style: chr15-78452470-A-G.
Other names: c.211A>G (NM_005530.2); short protein forms I71V.
Identifiers: ClinVar variation 1949654 (VCV001949654.6), dbSNP rs769283673, ClinGen allele CA7680515.
Genomic context (GRCh38, chr15:78,160,128, plus strand): 5'-TGTGCTCTGTGATGTGGCATCTAGGCACCTATTCAGTGGGAGGAGCGGAACGTCACTGCC[A>G]TTCAAGGACCTGGAGGAAAGTGGATGATCCCTTCAGAGGCTAAAGAGTCCATGGATAAGA-3'
Protein context (NP_005521.1, residues 61-81): IQWEERNVTA[Ile71Val]QGPGGKWMIP

ClinVar aggregate classification (germline): Uncertain significance. Review status: criteria provided, multiple submitters, no conflicts (2 of 4 stars). 2 submissions from 2 submitters: Uncertain significance (2). Last evaluated 2025-08-19.

gnomAD v4.1: 3 of 1,613,534 alleles (0.00019%); highest among the groups gnomAD compares: Admixed American, 0.005%; no homozygotes.

Submissions (2):

Ambry Genetics
Classification: Uncertain significance. Last evaluated: 2025-08-19. Review status: criteria provided, single submitter. Criteria: Ambry Variant Classification Scheme 2023. Collection method: clinical testing. Allele origin: germline.

Labcorp Genetics (formerly Invitae), Labcorp
Classification: Uncertain significance. Last evaluated: 2022-07-03. Review status: criteria provided, single submitter. Criteria: Invitae Variant Classification Sherloc (09022015). Collection method: clinical testing. Allele origin: germline.
Comment: This sequence change replaces isoleucine, which is neutral and non-polar, with valine, which is neutral and non-polar, at codon 71 of the IDH3A protein (p.Ile71Val). In summary, the available evidence is currently insufficient to determine the role of this variant in disease. Therefore, it has been classified as a Variant of Uncertain Significance. Algorithms developed to predict the effect of missense changes on protein structure and function (SIFT, PolyPhen-2, Align-GVGD) all suggest that this variant is likely to be tolerated. This variant has not been reported in the literature in individuals affected with IDH3A-related conditions. This variant is present in population databases (rs769283673, gnomAD 0.01%).